The following is an entry in ClinVar:

ClinVar aggregate classification (germline): Uncertain significance (1 of 4 stars; one submission).

Conditions:
Nemaline myopathy 2 (NEM2). Also called: Nemaline myopathy 2, autosomal recessive. Identifiers: MedGen C1850569, MONDO:0009725, OMIM 256030.

Submission:

Labcorp Genetics (formerly Invitae), Labcorp
Classification: Uncertain significance for Nemaline myopathy 2. Last evaluated: 2024-05-10. Review status: criteria provided, single submitter. Criteria: Invitae Variant Classification Sherloc (09022015). Collection method: clinical testing. Allele origin: germline.
Comment: This sequence change replaces tyrosine, which is neutral and polar, with histidine, which is basic and polar, at codon 479 of the NEB protein (p.Tyr479His). This variant is not present in population databases (gnomAD no frequency). This variant has not been reported in the literature in individuals affected with NEB-related conditions. Experimental studies and prediction algorithms are not available or were not evaluated, and the functional significance of this variant is currently unknown. In summary, the available evidence is currently insufficient to determine the role of this variant in disease. Therefore, it has been classified as a Variant of Uncertain Significance.

NM_001164508.2(NEB):c.1435T>C (p.Tyr479His)

Gene: NEB (nebulin; minus strand). Cytogenetic location: 2q23.3.
Variant type: single nucleotide variant.
Coding change: c.1435T>C on transcript NM_001164508.2 (MANE Select); coding-DNA position 1435, T replaced by C.
Protein change: p.Tyr479His; replaces tyrosine 479 with histidine.
Molecular consequence: missense variant.
Genome position (GRCh38, 1-based): chr2:151,697,183, A>G on the plus strand (T>C on the coding strand, the complement: NEB is on the minus strand). VCF-style: chr2-151697183-A-G. GRCh37 (hg19) VCF-style: chr2-152553697-A-G.
Other names: c.1435T>C, p.Tyr479His (NM_001164507.2, NM_001271208.2, NM_004543.5); short protein forms Y479H.
Identifiers: ClinVar variation 3693835 (VCV003693835.2).